The following is an entry in ClinVar:

NM_020754.4(ARHGAP31):c.4009C>T (p.His1337Tyr)

Gene: ARHGAP31 (Rho GTPase activating protein 31; plus strand). Cytogenetic location: 3q13.33.
Variant type: single nucleotide variant.
Coding change: c.4009C>T on transcript NM_020754.4 (MANE Select); coding-DNA position 4009, C replaced by T.
Protein change: p.His1337Tyr; replaces histidine 1337 with tyrosine.
Molecular consequence: missense variant.
Genome position (GRCh38, 1-based): chr3:119,415,938, C>T. VCF-style: chr3-119415938-C-T. GRCh37 (hg19) VCF-style: chr3-119134785-C-T.
Other names: short protein forms H1337Y.
Identifiers: ClinVar variation 3004877 (VCV003004877.3), dbSNP rs1280590375, ClinGen allele CA354061186.

ClinVar aggregate classification (germline): Uncertain significance (1 of 4 stars; one submission).

Allele frequency attached by ClinVar (database versions not stated): gnomAD exomes below 0.00001; gnomAD 0.00001.
gnomAD v4.1: 3 of 1,614,052 alleles (0.00019%); highest among the groups gnomAD compares: Non-Finnish European, 0.00025%; no homozygotes.

Submission:

Labcorp Genetics (formerly Invitae), Labcorp
Classification: Uncertain significance. Last evaluated: 2023-07-30. Review status: criteria provided, single submitter. Criteria: Invitae Variant Classification Sherloc (09022015). Collection method: clinical testing. Allele origin: germline.
Comment: In summary, the available evidence is currently insufficient to determine the role of this variant in disease. Therefore, it has been classified as a Variant of Uncertain Significance. An algorithm developed to predict the effect of missense changes on protein structure and function (PolyPhen-2) suggests that this variant is likely to be disruptive. This variant has not been reported in the literature in individuals affected with ARHGAP31-related conditions. The frequency data for this variant in the population databases is considered unreliable, as metrics indicate poor data quality at this position in the gnomAD database. This sequence change replaces histidine, which is basic and polar, with tyrosine, which is neutral and polar, at codon 1337 of the ARHGAP31 protein (p.His1337Tyr).